The following is an entry in ClinVar:

ClinVar aggregate classification (germline): Uncertain significance (1 of 4 stars; one submission).

Conditions:
Neuropathy, hereditary sensory, type 2C. Also called: Hereditary sensory and autonomic neuropathy type IIC; KIF1A-Related HSAN2 (HSAN2C). Identifiers: Orphanet 970, MedGen C3280168, MONDO:0013634, OMIM 614213.
Intellectual disability, autosomal dominant 9 (NESCAVS). Also called: KIF1A-Related Neurodevelopmental Disorder; NESCAV SYNDROME. Identifiers: Orphanet 662367, MedGen C5393830, MONDO:0013656, OMIM 614255.
Hereditary spastic paraplegia 30. Identifiers: Orphanet 101010, MedGen C5235139, MONDO:0012476.

Submission:

Labcorp Genetics (formerly Invitae), Labcorp
Classification: Uncertain significance for Hereditary spastic paraplegia 30; Neuropathy, hereditary sensory, type 2C; Intellectual disability, autosomal dominant 9. Last evaluated: 2021-02-09. Review status: criteria provided, single submitter. Criteria: Invitae Variant Classification Sherloc (09022015). Collection method: clinical testing. Allele origin: germline.
Comment: In summary, the available evidence is currently insufficient to determine the role of this variant in disease. Therefore, it has been classified as a Variant of Uncertain Significance. Algorithms developed to predict the effect of missense changes on protein structure and function are either unavailable or do not agree on the potential impact of this missense change (SIFT: "Tolerated"; PolyPhen-2: "Possibly Damaging"; Align-GVGD: "Class C0"). This variant has not been reported in the literature in individuals with KIF1A-related conditions. This variant is not present in population databases (ExAC no frequency). This sequence change replaces serine with arginine at codon 1475 of the KIF1A protein (p.Ser1475Arg). The serine residue is highly conserved and there is a moderate physicochemical difference between serine and arginine.

NM_001244008.2(KIF1A):c.4726A>C (p.Ser1576Arg)

Gene: KIF1A (kinesin family member 1A; minus strand). Cytogenetic location: 2q37.3.
Variant type: single nucleotide variant.
Coding change: c.4726A>C on transcript NM_001244008.2 (MANE Select); coding-DNA position 4726, A replaced by C.
Protein change: p.Ser1576Arg; replaces serine 1576 with arginine.
Molecular consequence: missense variant.
Genome position (GRCh38, 1-based): chr2:240,721,824, T>G on the plus strand (A>C on the coding strand, the complement: KIF1A is on the minus strand). VCF-style: chr2-240721824-T-G. GRCh37 (hg19) VCF-style: chr2-241661241-T-G.
Other names: c.4450A>C, p.Ser1484Arg (NM_001320705.2, NM_001379649.1); c.4477A>C, p.Ser1493Arg (NM_001330289.2); c.4525A>C, p.Ser1509Arg (NM_001330290.2, NM_001379648.1); c.4801A>C, p.Ser1601Arg (NM_001379631.1); c.4702A>C, p.Ser1568Arg (NM_001379632.1); c.4699A>C, p.Ser1567Arg (NM_001379633.1, NM_001379645.1); c.4552A>C, p.Ser1518Arg (NM_001379634.1); c.4549A>C, p.Ser1517Arg (NM_001379635.1, NM_001379646.1); and 7 more; short protein forms S1474R, S1475R, S1483R, S1484R, S1492R, S1493R, S1500R, S1509R.
Identifiers: ClinVar variation 1024033 (VCV001024033.9), dbSNP rs2045429070, ClinGen allele CA351302886.